The following is an entry in ClinVar:

ClinVar aggregate classification (germline): Uncertain significance (1 of 4 stars; one submission).

Conditions:
Pierson syndrome. Also called: MICROCORIA-CONGENITAL NEPHROTIC SYNDROME. Identifiers: Orphanet 2670, MedGen C1836876, MONDO:0012184, OMIM 609049.
LAMB2-related infantile-onset nephrotic syndrome. Also called: Nephrotic Syndrome, type 5; NEPHROTIC SYNDROME, TYPE 5, WITHOUT OCULAR ABNORMALITIES; NEPHROTIC SYNDROME, TYPE 5, WITH OCULAR ABNORMALITIES. Identifiers: Orphanet 306507, MedGen C3280113, MONDO:0013621, OMIM 614199.

Allele frequency attached by ClinVar (database versions not stated): gnomAD exomes below 0.00001; gnomAD 0.00001.
gnomAD v4.1: 2 of 1,614,050 alleles (0.00012%); highest among the groups gnomAD compares: South Asian, 0.0011%; no homozygotes.

Submission:

Labcorp Genetics (formerly Invitae), Labcorp
Classification: Uncertain significance for LAMB2-related infantile-onset nephrotic syndrome; Pierson syndrome. Last evaluated: 2022-06-08. Review status: criteria provided, single submitter. Criteria: Invitae Variant Classification Sherloc (09022015). Collection method: clinical testing. Allele origin: germline.
Comment: This variant has not been reported in the literature in individuals affected with LAMB2-related conditions. This variant is present in population databases (no rsID available, gnomAD 0.007%). This sequence change replaces serine, which is neutral and polar, with asparagine, which is neutral and polar, at codon 1518 of the LAMB2 protein (p.Ser1518Asn). Algorithms developed to predict the effect of missense changes on protein structure and function output the following: SIFT: "Tolerated"; PolyPhen-2: "Benign"; Align-GVGD: "Class C0". The asparagine amino acid residue is found in multiple mammalian species, which suggests that this missense change does not adversely affect protein function. In summary, the available evidence is currently insufficient to determine the role of this variant in disease. Therefore, it has been classified as a Variant of Uncertain Significance.

NM_002292.4(LAMB2):c.4553G>A (p.Ser1518Asn)

Gene: LAMB2 (laminin subunit beta 2; minus strand). Cytogenetic location: 3p21.31.
Variant type: single nucleotide variant.
Coding change: c.4553G>A on transcript NM_002292.4 (MANE Select); coding-DNA position 4553, G replaced by A.
Protein change: p.Ser1518Asn; replaces serine 1518 with asparagine.
Molecular consequence: missense variant.
Genome position (GRCh38, 1-based): chr3:49,122,724, C>T on the plus strand (G>A on the coding strand, the complement: LAMB2 is on the minus strand). VCF-style: chr3-49122724-C-T. GRCh37 (hg19) VCF-style: chr3-49160157-C-T.
Other names: short protein forms S1518N.
Identifiers: ClinVar variation 2053679 (VCV002053679.4), dbSNP rs1206666874, ClinGen allele CA352691519.